The following is an entry in ClinVar:

ClinVar aggregate classification (germline): Uncertain significance. Review status: criteria provided, multiple submitters, no conflicts (2 of 4 stars). 8 submissions from 8 submitters: Uncertain significance (7). 1 of the submissions does not count toward it. Last evaluated 2026-08-06.

Conditions:
Inborn genetic diseases. Identifiers: MedGen C0950123, MeSH D030342.
Hereditary spastic paraplegia 49 (HSAN9). Also called: Spastic paraplegia 49, autosomal recessive; TECPR2-Related Hereditary Sensory and Autonomic Neuropathy with Intellectual Disability; NEUROPATHY, HEREDITARY SENSORY AND AUTONOMIC, TYPE IX, WITH DEVELOPMENTAL DELAY. Identifiers: Orphanet 320385, MedGen C5190860, MONDO:0014016, OMIM 615031.

Allele frequency attached by ClinVar (database versions not stated): ExAC 0.00009; gnomAD exomes 0.00011 and 0.00013; gnomAD 0.00013 and 0.00014; TOPMed 0.00013.
gnomAD v4.1: 203 of 1,614,090 alleles (0.013%); highest among the groups gnomAD compares: Non-Finnish European, 0.016%; 1 homozygote.

Submissions (8):

GeneDx
Classification: Uncertain significance. Last evaluated: 2026-08-06. Review status: criteria provided, single submitter. Criteria: GeneDx Variant Classification Process June 2021. Collection method: clinical testing. Allele origin: germline.
Comment: In silico analysis suggests that this missense variant does not alter protein structure/function; Has not been previously published as pathogenic or benign to our knowledge

Women's Health and Genetics/Laboratory Corporation of America, LabCorp
Classification: Uncertain significance. Last evaluated: 2026-03-09. Review status: criteria provided, single submitter. Criteria: LabCorp Variant Classification Summary - May 2015. Collection method: clinical testing. Allele origin: germline.
Comment: Variant summary: TECPR2 c.622A>G (p.Thr208Ala) results in a non-conservative amino acid change in the encoded protein sequence. Algorithms developed to predict the effect of missense changes on protein structure and function are either unavailable or do not agree on the potential impact of this missense change. The variant allele was found at a frequency of 0.00011 in 251378 control chromosomes. This frequency is not significantly higher than estimated for disease-causing variants in TECPR2, allowing no conclusion about variant significance. To our knowledge, no occurrence of c.622A>G in individuals affected with TECPR2-related conditions and no experimental evidence demonstrating its impact on protein function have been reported. ClinVar contains an entry for this variant (Variation ID: 649453). Based on the evidence outlined above, the variant was classified as uncertain significance.

Ambry Genetics
Classification: Uncertain significance for Inborn genetic diseases. Last evaluated: 2025-10-17. Review status: criteria provided, single submitter. Criteria: Ambry Variant Classification Scheme 2023. Collection method: clinical testing. Allele origin: germline.

CeGaT Center for Human Genetics Tuebingen
Classification: Uncertain significance. Last evaluated: 2025-08-01. Review status: criteria provided, single submitter. Criteria: CeGaT Center For Human Genetics Tuebingen Variant Classification Criteria Version 2. Collection method: clinical testing. Allele origin: germline. Affected: yes. Observed: 1 variant allele.
Comment: TECPR2: PM2, BP4

Blueprint Genetics
Classification: Uncertain significance. Last evaluated: 2024-10-24. Review status: criteria provided, single submitter. Criteria: ACMG Guidelines, 2015. Collection method: clinical testing. Allele origin: germline.

Labcorp Genetics (formerly Invitae), Labcorp
Classification: Uncertain significance for Hereditary spastic paraplegia 49. Last evaluated: 2022-06-19. Review status: criteria provided, single submitter. Criteria: Invitae Variant Classification Sherloc (09022015). Collection method: clinical testing. Allele origin: germline.
Comment: This sequence change replaces threonine, which is neutral and polar, with alanine, which is neutral and non-polar, at codon 208 of the TECPR2 protein (p.Thr208Ala). This variant is present in population databases (rs536338550, gnomAD 0.02%). This variant has not been reported in the literature in individuals affected with TECPR2-related conditions. ClinVar contains an entry for this variant (Variation ID: 649453). Algorithms developed to predict the effect of missense changes on protein structure and function output the following: SIFT: "Tolerated"; PolyPhen-2: "Benign"; Align-GVGD: "Class C0". The alanine amino acid residue is found in multiple mammalian species, which suggests that this missense change does not adversely affect protein function. In summary, the available evidence is currently insufficient to determine the role of this variant in disease. Therefore, it has been classified as a Variant of Uncertain Significance.

Laboratorio de Genetica e Diagnostico Molecular, Hospital Israelita Albert Einstein
Classification: Uncertain significance for Hereditary spastic paraplegia 49. Last evaluated: 2021-05-13. Review status: criteria provided, single submitter. Criteria: ACMG Guidelines, 2015. Collection method: clinical testing. Allele origin: germline. Affected: yes.
Comment: ACMG classification criteria: BP4 supporting

Natera, Inc.
Classification: Uncertain significance for Autosomal recessive spastic paraplegia type 49. Last evaluated: 2020-02-14. Review status: no assertion criteria provided. Collection method: clinical testing. Allele origin: germline. Not counted in ClinVar's aggregate classification.

NM_014844.5(TECPR2):c.622A>G (p.Thr208Ala)

Gene: TECPR2 (tectonin beta-propeller repeat containing 2; plus strand). Cytogenetic location: 14q32.31.
Variant type: single nucleotide variant.
Coding change: c.622A>G on transcript NM_014844.5 (MANE Select); coding-DNA position 622, A replaced by G.
Protein change: p.Thr208Ala; replaces threonine 208 with alanine.
Molecular consequence: missense variant.
Genome position (GRCh38, 1-based): chr14:102,414,777, A>G. VCF-style: chr14-102414777-A-G. GRCh37 (hg19) VCF-style: chr14-102881114-A-G.
Other names: c.622A>G, p.Thr208Ala (NM_001172631.3); short protein forms T208A.
Identifiers: ClinVar variation 649453 (VCV000649453.22), dbSNP rs536338550, ClinGen allele CA7357478.